The following is an entry in ClinVar:

NM_001282531.3(ADNP):c.477T>C (p.Ser159=)

Gene: ADNP (activity dependent neuroprotector homeobox; minus strand). Cytogenetic location: 20q13.13.
Variant type: single nucleotide variant.
Coding change: c.477T>C on transcript NM_001282531.3 (MANE Select); coding-DNA position 477, T replaced by C.
Protein change: p.Ser159=; no amino-acid change (serine 159 retained).
Molecular consequence: synonymous variant.
Genome position (GRCh38, 1-based): chr20:50,894,237, A>G on the plus strand (T>C on the coding strand, the complement: ADNP is on the minus strand). VCF-style: chr20-50894237-A-G. GRCh37 (hg19) VCF-style: chr20-49510774-A-G.
Other names: c.477T>C, p.Ser159= (NM_001282532.2, NM_001347511.2, NM_015339.5 and 1 more transcripts).
Identifiers: ClinVar variation 2006407 (VCV002006407.4), dbSNP rs966355733, ClinGen allele CA315258403.

ClinVar aggregate classification (germline): Uncertain significance (1 of 4 stars; one submission).

Allele frequency attached by ClinVar (database versions not stated): gnomAD 0.00001.
gnomAD v4.1: 2 of 1,613,924 alleles (0.00012%); highest among the groups gnomAD compares: African/African-American, 0.0013%; no homozygotes.

Submission:

Labcorp Genetics (formerly Invitae), Labcorp
Classification: Uncertain significance. Last evaluated: 2022-06-14. Review status: criteria provided, single submitter. Criteria: Invitae Variant Classification Sherloc (09022015). Collection method: clinical testing. Allele origin: germline.
Comment: In summary, the available evidence is currently insufficient to determine the role of this variant in disease. Therefore, it has been classified as a Variant of Uncertain Significance. This variant has not been reported in the literature in individuals affected with ADNP-related conditions. This variant is present in population databases (no rsID available, gnomAD 0.01%). This sequence change affects codon 159 of the ADNP mRNA. It is a 'silent' change, meaning that it does not change the encoded amino acid sequence of the ADNP protein.